The following is an entry in ClinVar:

ClinVar aggregate classification (germline): Likely benign. Review status: criteria provided, multiple submitters, no conflicts (2 of 4 stars). 2 submissions from 2 submitters: Likely benign (2). Last evaluated 2024-07-29.

Conditions:
Malignant hyperthermia, susceptibility to, 5 (MHS5). Also called: CACNA1S-Related Malignant Hyperthermia Susceptibility. Identifiers: Orphanet 423, MedGen C1866077, MONDO:0011163, OMIM 601887.
Hypokalemic periodic paralysis, type 1. Also called: HypoPP; Hypokalemic Periodic Paralysis Type 1 (AD). Identifiers: Orphanet 681, MedGen C3714580, MONDO:0042979, OMIM 170400.

gnomAD v4.1: 1 of 1,613,802 alleles (0.000062%); highest among the groups gnomAD compares: Non-Finnish European, 0.000085%; no homozygotes.

Submissions (2):

All of Us Research Program, National Institutes of Health
Classification: Likely benign for Malignant hyperthermia, susceptibility to, 5. Last evaluated: 2024-07-29. Review status: criteria provided, single submitter. Criteria: ACMG Guidelines, 2015. Collection method: clinical testing. Allele origin: germline. Inheritance: Autosomal dominant inheritance. Observed: 2 variant alleles, 2 heterozygotes.
Comment: This study involves interpretation of variants in research participants for the purpose of population health screening. Participant phenotype was not available at the time of variant classification. Additional details can be found in publication PMID: 35346344, PMCID: PMC8962531

Labcorp Genetics (formerly Invitae), Labcorp
Classification: Likely benign for Hypokalemic periodic paralysis, type 1; Malignant hyperthermia, susceptibility to, 5. Last evaluated: 2023-03-22. Review status: criteria provided, single submitter. Criteria: Invitae Variant Classification Sherloc (09022015). Collection method: clinical testing. Allele origin: germline.

NM_000069.3(CACNA1S):c.5280G>A (p.Gly1760=)

Gene: CACNA1S (calcium voltage-gated channel subunit alpha1 S; minus strand). Cytogenetic location: 1q32.1.
Variant type: single nucleotide variant.
Coding change: c.5280G>A on transcript NM_000069.3 (MANE Select); coding-DNA position 5280, G replaced by A.
Protein change: p.Gly1760=; no amino-acid change (glycine 1760 retained).
Molecular consequence: synonymous variant.
Genome position (GRCh38, 1-based): chr1:201,040,321, C>T on the plus strand (G>A on the coding strand, the complement: CACNA1S is on the minus strand). VCF-style: chr1-201040321-C-T. GRCh37 (hg19) VCF-style: chr1-201009449-C-T.
Identifiers: ClinVar variation 2937865 (VCV002937865.4), dbSNP rs1401042445, ClinGen allele CA422815143.